The following is an entry in ClinVar:

NM_020436.5(SALL4):c.996C>T (p.Ser332=)

Gene: SALL4 (spalt like transcription factor 4; minus strand). Cytogenetic location: 20q13.2.
Variant type: single nucleotide variant.
Coding change: c.996C>T on transcript NM_020436.5 (MANE Select); coding-DNA position 996, C replaced by T.
Protein change: p.Ser332=; no amino-acid change (serine 332 retained).
Molecular consequence: synonymous variant.
Genome position (GRCh38, 1-based): chr20:51,791,487, G>A on the plus strand (C>T on the coding strand, the complement: SALL4 is on the minus strand). VCF-style: chr20-51791487-G-A. GRCh37 (hg19) VCF-style: chr20-50408026-G-A.
Other names: c.996C>T (LRG_675t1); c.996C>T, p.Ser332= (NM_001318031.2).
Identifiers: ClinVar variation 5040942 (VCV005040942.1), dbSNP rs137963401.

ClinVar aggregate classification (germline): Likely benign (1 of 4 stars; one submission).

Allele frequency attached by ClinVar (database versions not stated): gnomAD exomes 0.00001; ExAC 0.00002; TOPMed 0.00005; ESP Exome Variant Server 0.00008.

Submission:

CeGaT Center for Human Genetics Tuebingen
Classification: Likely benign. Last evaluated: 2026-09-01. Review status: criteria provided, single submitter. Criteria: CeGaT Center For Human Genetics Tuebingen Variant Classification Criteria Version 2. Collection method: clinical testing. Allele origin: germline. Affected: yes. Observed: 1 variant allele.
Comment: SALL4: BP4, BP7